The following is an entry in ClinVar:

NM_001374828.1(ARID1B):c.4794C>A (p.Tyr1598Ter)

Gene: ARID1B (AT-rich interaction domain 1B; plus strand). Cytogenetic location: 6q25.3.
Variant type: single nucleotide variant.
Coding change: c.4794C>A on transcript NM_001374828.1 (MANE Select); coding-DNA position 4794, C replaced by A.
Protein change: p.Tyr1598Ter; replaces tyrosine 1598 with a stop codon.
Molecular consequence: nonsense.
Genome position (GRCh38, 1-based): chr6:157,201,019, C>A. VCF-style: chr6-157201019-C-A. GRCh37 (hg19) VCF-style: chr6-157522153-C-A.
Other names: c.4425C>A (NM_020732.3); c.2295C>A, p.Tyr765Ter (NM_001363725.2); c.4674C>A, p.Tyr1558Ter (NM_001371656.1, NM_001374820.1); c.4635C>A, p.Tyr1545Ter (NM_017519.3); short protein forms Y1545*, Y1558*, Y1598*, Y765*.
Identifiers: ClinVar variation 1212586 (VCV001212586.3), dbSNP rs1562345819, ClinGen allele CA366241529.

ClinVar aggregate classification (germline): Pathogenic (1 of 4 stars; one submission).

Submission:

GeneDx
Classification: Pathogenic. Last evaluated: 2019-09-17. Review status: criteria provided, single submitter. Criteria: GeneDx Variant Classification Process June 2021. Collection method: clinical testing. Allele origin: germline. Affected: yes.
Comment: Nonsense variant predicted to result in protein truncation or nonsense mediated decay in a gene for which loss-of-function is a known mechanism of disease; Not observed in large population cohorts (Lek et al., 2016); Has not been previously published as pathogenic or benign to our knowledge